The following is an entry in ClinVar:

NM_024027.5(COLEC11):c.130+1753G>C

Gene: COLEC11 (collectin subfamily member 11; plus strand). Cytogenetic location: 2p25.3.
Variant type: single nucleotide variant.
Coding change: c.130+1753G>C on transcript NM_024027.5 (MANE Select); 1753 bases into the intron after coding-DNA position 130, G replaced by C.
Molecular consequence: intron variant. On other transcripts: missense variant (4).
Genome position (GRCh38, 1-based): chr2:3,606,223, G>C. VCF-style: chr2-3606223-G-C. GRCh37 (hg19) VCF-style: chr2-3653813-G-C.
Other names: c.32G>C, p.Cys11Ser (NM_001255986.1, NM_001255987.1, NM_001255988.1 and 1 more transcripts); c.42+1753G>C (NM_199235.3); c.130+1753G>C (NM_001255983.2, NM_001255982.2, NM_001255984.2); c.172+1753G>C (NM_001255985.1); short protein forms C11S.
Identifiers: ClinVar variation 3352233 (VCV003352233.2).
Genomic context (GRCh38, chr2:3,606,223, plus strand): 5'-TTTGGCTGTGGAGGTCACGTCCCTGCCCAATGTGGTGGGTGCCTCCGAGTCCCTACGGTT[G>C]TCTTCCCTGCGCCCTGCCAGGTCAGTAGCCTGCACTGGTGGGGGCCGTGGGGTGGGCTCC-3'

ClinVar aggregate classification (germline): Likely benign. Review status: criteria provided, single submitter (1 of 4 stars). 2 submissions from 2 submitters: Likely benign (1). 1 of the submissions does not count toward it. Last evaluated 2024-11-13.

Conditions:
COLEC11-related disorder. Also called: COLEC11-related condition.

gnomAD v4.1: 552 of 1,550,508 alleles (0.036%); highest among the groups gnomAD compares: African/African-American, 0.62%; 1 homozygote.

Submissions (2):

Blueprint Genetics
Classification: Likely benign. Last evaluated: 2024-11-13. Review status: criteria provided, single submitter. Criteria: ACMG Guidelines, 2015. Collection method: clinical testing. Allele origin: germline.

PreventionGenetics, part of Exact Sciences
Classification: Likely benign for COLEC11-related condition. Last evaluated: 2024-04-27. Review status: no assertion criteria provided. Collection method: clinical testing. Allele origin: germline. Not counted in ClinVar's aggregate classification.
Comment: This variant is classified as likely benign based on ACMG/AMP sequence variant interpretation guidelines (Richards et al. 2015 PMID: 25741868, with internal and published modifications).